The following is an entry in ClinVar:

ClinVar aggregate classification (germline): Uncertain significance (1 of 4 stars; one submission).

Conditions:
TTN-related disorder. Also called: TTN-related disorders; TTN-related condition; TTN-related disease.

gnomAD v4.1: 12 of 1,613,102 alleles (0.00074%); highest among the groups gnomAD compares: Non-Finnish European, 0.00093%; no homozygotes.

Submission:

PreventionGenetics, part of Exact Sciences
Classification: Uncertain significance for TTN-related condition. Last evaluated: 2026-03-02. Review status: criteria provided, single submitter. Criteria: ACMG Guidelines, 2015. Collection method: clinical testing. Allele origin: germline.
Comment: The TTN c.64295A>G variant is predicted to result in the amino acid substitution p.Lys21432Arg. To our knowledge, this variant has not been reported in the literature. This variant is reported in 0.00089% of alleles in individuals of European (Non-Finnish) descent in gnomAD. At this time, the clinical significance of this variant is uncertain due to the absence of conclusive functional and genetic evidence.

NM_001267550.2(TTN):c.64295A>G (p.Lys21432Arg)

Genes: TTN (titin; minus strand), TTN-AS1 (TTN antisense RNA 1; plus strand). Cytogenetic location: 2q31.2.
Variant type: single nucleotide variant.
Coding change: c.64295A>G on transcript NM_001267550.2 (MANE Select); coding-DNA position 64295, A replaced by G.
Protein change: p.Lys21432Arg; replaces lysine 21432 with arginine.
Molecular consequence: missense variant.
Genome position (GRCh38, 1-based): chr2:178,586,606, T>C on the plus strand (A>G on the coding strand, the complement: TTN is on the minus strand). VCF-style: chr2-178586606-T-C. GRCh37 (hg19) VCF-style: chr2-179451333-T-C.
Other names: c.59372A>G, p.Lys19791Arg (NM_001256850.1); c.37100A>G, p.Lys12367Arg (NM_003319.4); c.56591A>G, p.Lys18864Arg (NM_133378.4); c.37475A>G, p.Lys12492Arg (NM_133432.3); c.37676A>G, p.Lys12559Arg (NM_133437.4); short protein forms K12492R, K12559R, K19791R, K12367R, K18864R, K21432R.
Identifiers: ClinVar variation 4989265 (VCV004989265.1).